The following is an entry in ClinVar:

ClinVar aggregate classification (germline): Uncertain significance. Review status: criteria provided, multiple submitters, no conflicts (2 of 4 stars). 2 submissions from 2 submitters: Uncertain significance (2). Last evaluated 2024-12-03.

Conditions:
Inborn genetic diseases. Identifiers: MedGen C0950123, MeSH D030342.

Allele frequency attached by ClinVar (database versions not stated): gnomAD 0.00001; ExAC 0.00002; TOPMed 0.00002.
gnomAD v4.1: 42 of 1,613,932 alleles (0.0026%); highest among the groups gnomAD compares: Non-Finnish European, 0.0033%; no homozygotes.

Submissions (2):

Ambry Genetics
Classification: Uncertain significance for Inborn genetic diseases. Last evaluated: 2024-12-03. Review status: criteria provided, single submitter. Criteria: Ambry Variant Classification Scheme 2023. Collection method: clinical testing. Allele origin: germline.
Comment: The p.E251K variant (also known as c.751G>A), located in coding exon 5 of the MECOM gene, results from a G to A substitution at nucleotide position 751. The glutamic acid at codon 251 is replaced by lysine, an amino acid with similar properties. This amino acid position is conserved. In addition, this alteration is predicted to be tolerated by in silico analysis. Based on the available evidence, the clinical significance of this variant remains unclear.

Labcorp Genetics (formerly Invitae), Labcorp
Classification: Uncertain significance. Last evaluated: 2023-09-05. Review status: criteria provided, single submitter. Criteria: Invitae Variant Classification Sherloc (09022015). Collection method: clinical testing. Allele origin: germline.
Comment: In summary, the available evidence is currently insufficient to determine the role of this variant in disease. Therefore, it has been classified as a Variant of Uncertain Significance. An algorithm developed to predict the effect of missense changes on protein structure and function (PolyPhen-2) suggests that this variant is likely to be tolerated. This variant has not been reported in the literature in individuals affected with MECOM-related conditions. This variant is present in population databases (rs760397699, gnomAD 0.005%). This sequence change replaces glutamic acid, which is acidic and polar, with lysine, which is basic and polar, at codon 63 of the MECOM protein (p.Glu63Lys).

NM_004991.4(MECOM):c.751G>A (p.Glu251Lys)

Gene: MECOM (MDS1 and EVI1 complex locus; minus strand). Cytogenetic location: 3q26.2.
Variant type: single nucleotide variant.
Coding change: c.751G>A on transcript NM_004991.4 (MANE Select); coding-DNA position 751, G replaced by A.
Protein change: p.Glu251Lys; replaces glutamic acid 251 with lysine.
Molecular consequence: missense variant.
Genome position (GRCh38, 1-based): chr3:169,127,923, C>T on the plus strand (G>A on the coding strand, the complement: MECOM is on the minus strand). VCF-style: chr3-169127923-C-T. GRCh37 (hg19) VCF-style: chr3-168845711-C-T.
Other names: c.751G>A (NM_004991.3); c.379G>A, p.Glu127Lys (NM_001105077.4); c.187G>A, p.Glu63Lys (NM_001105078.4, NM_001163999.2, NM_001164000.2 and 9 more transcripts); c.751G>A, p.Glu251Lys (NM_001366466.2, NM_001366473.2); short protein forms E251K, E63K, E127K.
Identifiers: ClinVar variation 2915923 (VCV002915923.4), dbSNP rs760397699, ClinGen allele CA2696478.